The following is an entry in ClinVar:

ClinVar aggregate classification (germline): Pathogenic (1 of 4 stars; one submission).

Conditions:
Mucopolysaccharidosis, MPS-II (MPS2). Also called: Hunter Syndrome; IDURONATE 2-SULFATASE DEFICIENCY; Mucopolysaccharidosis Type II; Mucopolysaccharidosis type 2; Attenuated MPS (subtype; formerly known as mild MPS II); Severe MPS II. Identifiers: Orphanet 580, Orphanet 79388, MedGen C0026705, MONDO:0010674, OMIM 309900.

Submission:

Laboratory of Diagnosis and Therapy of Lysosomal Disorders, University of Padova
Classification: Pathogenic for Mucopolysaccharidosis, MPS-II. Last evaluated: 2024-06-07. Review status: criteria provided, single submitter. Criteria: ACMG Guidelines, 2015. Collection method: literature only. Allele origin: germline. Affected: yes. Observed: 10 variant alleles.
Comment: In vitro or in vivo functional studies supportive of a damaging effect (PS3_Strong), Prevalence of the variant significantly increased in affected individuals compared with controls (PS4_Moderate), Absent from controls (or at low frequency) in gnomAD database (PM2_Moderate), Missense variant in a gene with a low rate of benign missense variation (PP2_Supporting), Multiple lines of computational evidence support a deleterious effect (PP3_Supporting), Patient’s phenotype or family history highly specific for the disease (PP4_Strong)

Classification method: ACMG Guidelines [PMID:25741868] with modifications

Literature cited by the submitters: PubMed 9921913; PubMed 16480701; PubMed 7981716; PubMed 33676511; PubMed 27146977; PubMed 9875019; PubMed 34670126.

NM_000202.8(IDS):c.1454T>G (p.Ile485Arg)

Gene: IDS (iduronate 2-sulfatase; minus strand). Cytogenetic location: Xq28.
Variant type: single nucleotide variant.
Coding change: c.1454T>G on transcript NM_000202.8 (MANE Select); coding-DNA position 1454, T replaced by G.
Protein change: p.Ile485Arg; replaces isoleucine 485 with arginine.
Molecular consequence: missense variant.
Genome position (GRCh38, 1-based): chrX:149,482,945, A>C on the plus strand (T>G on the coding strand, the complement: IDS is on the minus strand). VCF-style: chrX-149482945-A-C. GRCh37 (hg19) VCF-style: chrX-148564476-A-C.
Other names: c.1184T>G, p.Ile395Arg (NM_001166550.4); short protein forms I395R, I485R.
Identifiers: ClinVar variation 3256066 (VCV003256066.2).
Genomic context (GRCh38, chrX:149,482,945, plus strand): 5'-AAGCCAACCCACACAGTATACCTATAGTCTATGGTGCGTATGGAATAGCCCATGATCTTT[A>C]TATCTTTTAAACTCGGCTTGTCAGAATTCCACTGAGGGATGTCTGAAGGCCGGGGATACT-3'
Protein context (NP_000193.1, residues 475-495): WNSDKPSLKD[Ile485Arg]KIMGYSIRTI